The following is an entry in ClinVar:

ClinVar aggregate classification (germline): Uncertain significance. Review status: criteria provided, multiple submitters, no conflicts (2 of 4 stars). 4 submissions from 4 submitters: Uncertain significance (4). Last evaluated 2026-01-12.

Conditions:
MYO7A-related disorder. Also called: MYO7A-related disorders.
Inborn genetic diseases. Identifiers: MedGen C0950123, MeSH D030342.

Allele frequency attached by ClinVar (database versions not stated): gnomAD 0.00001; gnomAD exomes 0.00001; TOPMed 0.00003; ExAC 0.00011.
gnomAD v4.1: 14 of 1,550,336 alleles (0.0009%); highest among the groups gnomAD compares: African/African-American, 0.0041%; no homozygotes.

Submissions (4):

PreventionGenetics, part of Exact Sciences
Classification: Uncertain significance for MYO7A-related condition. Last evaluated: 2026-01-12. Review status: criteria provided, single submitter. Criteria: ACMG Guidelines, 2015. Collection method: clinical testing. Allele origin: germline.
Comment: The MYO7A c.5243C>T variant is predicted to result in the amino acid substitution p.Thr1748Met. To our knowledge, this variant has not been reported in the literature. This variant is reported in 0.013% of alleles in individuals of African descent in gnomAD. At this time, the clinical significance of this variant is uncertain due to the absence of conclusive functional and genetic evidence.

Ambry Genetics
Classification: Uncertain significance for Inborn genetic diseases. Last evaluated: 2025-06-24. Review status: criteria provided, single submitter. Criteria: Ambry Variant Classification Scheme 2023. Collection method: clinical testing. Allele origin: germline.

Labcorp Genetics (formerly Invitae), Labcorp
Classification: Uncertain significance. Last evaluated: 2022-08-16. Review status: criteria provided, single submitter. Criteria: Invitae Variant Classification Sherloc (09022015). Collection method: clinical testing. Allele origin: germline.
Comment: This sequence change replaces threonine, which is neutral and polar, with methionine, which is neutral and non-polar, at codon 1748 of the MYO7A protein (p.Thr1748Met). The frequency data for this variant in the population databases is considered unreliable, as metrics indicate poor data quality at this position in the gnomAD database. This variant has not been reported in the literature in individuals affected with MYO7A-related conditions. ClinVar contains an entry for this variant (Variation ID: 505218). Algorithms developed to predict the effect of missense changes on protein structure and function are either unavailable or do not agree on the potential impact of this missense change (SIFT: "Deleterious"; PolyPhen-2: "Possibly Damaging"; Align-GVGD: "Class C0"). In summary, the available evidence is currently insufficient to determine the role of this variant in disease. Therefore, it has been classified as a Variant of Uncertain Significance.

Laboratory for Molecular Medicine, Mass General Brigham Personalized Medicine
Classification: Uncertain significance. Last evaluated: 2016-08-04. Review status: criteria provided, single submitter. Criteria: LMM Criteria. Collection method: clinical testing. Allele origin: germline. Observed: 1 variant allele.
Comment: The p.Thr1748Met variant in MYO7A has not been previously reported in individual s with hearing loss or Usher syndrome. This variant has been identified in 1/789 6 South Asian chromosomes by the Exome Aggregation Consortium (ExAC .; dbSNP rs752373714); however, this frequency in the general population is not high enough to rule out a pathogenic role. Computational predi ction tools and conservation analyses do not provide strong support for or again st an impact to the protein. In summary, the clinical significance of the p.Thr 1748Met variant is uncertain.

NM_000260.4(MYO7A):c.5243C>T (p.Thr1748Met)

Gene: MYO7A (myosin VIIA; plus strand). Cytogenetic location: 11q13.5.
Variant type: single nucleotide variant.
Coding change: c.5243C>T on transcript NM_000260.4 (MANE Select); coding-DNA position 5243, C replaced by T.
Protein change: p.Thr1748Met; replaces threonine 1748 with methionine.
Molecular consequence: missense variant.
Genome position (GRCh38, 1-based): chr11:77,203,134, C>T. VCF-style: chr11-77203134-C-T. GRCh37 (hg19) VCF-style: chr11-76914179-C-T.
Other names: c.5129C>T, p.Thr1710Met (NM_001127180.2); c.5096C>T, p.Thr1699Met (NM_001369365.1); short protein forms T1748M, T1699M, T1710M.
Identifiers: ClinVar variation 505218 (VCV000505218.8), dbSNP rs752373714, ClinGen allele CA6198652.